The following is an entry in ClinVar:

ClinVar aggregate classification (germline): Uncertain significance. Review status: criteria provided, single submitter (1 of 4 stars). 2 submissions from 2 submitters: Uncertain significance (1). 1 of the submissions does not count toward it. Last evaluated 2025-06-04.

Conditions:
Hypogonadotropic hypogonadism 2 with or without anosmia (HH2). Also called: HYPOGONADOTROPIC HYPOGONADISM 2 WITHOUT ANOSMIA; HYPOGONADOTROPIC HYPOGONADISM 2 WITH OR WITHOUT ANOSMIA, SUSCEPTIBILITY TO; HYPOGONADOTROPIC HYPOGONADISM 2 WITHOUT ANOSMIA, SUSCEPTIBILITY TO; FGFR1-Related GnRH Deficiency (Kallmann Syndrome 2). Identifiers: Orphanet 478, MedGen C1563720, MONDO:0007844, OMIM 147950. Disease mechanism: loss of function.

Allele frequency attached by ClinVar (database versions not stated): gnomAD exomes below 0.00001 and 0.00001; ExAC 0.00002; gnomAD 0.00002; TOPMed 0.00002; ESP Exome Variant Server 0.00008.
gnomAD v4.1: 7 of 1,613,774 alleles (0.00043%); highest among the groups gnomAD compares: African/African-American, 0.0013%; no homozygotes.

Submissions (2):

GeneDx
Classification: Uncertain significance. Last evaluated: 2025-06-04. Review status: criteria provided, single submitter. Criteria: GeneDx Variant Classification Process June 2021. Collection method: clinical testing. Allele origin: germline. Affected: yes.
Comment: Reported with a second variant (phase unknown) in a patient with isolated hypogonadotropic hypogonadism in published literature (PMID: 30098700); In silico analysis supports that this missense variant has a deleterious effect on protein structure/function; This variant is associated with the following publications: (PMID: 32666525, 30098700)

Department of Urology, Tongji Hospital, Tongji Medical College, Huazhong University of Science and Technology
Classification: Likely pathogenic for Hypogonadotropic hypogonadism 2 with or without anosmia. Review status: no assertion criteria provided. Collection method: research. Allele origin: germline. Affected: yes. Not counted in ClinVar's aggregate classification.

NM_023110.3(FGFR1):c.208G>A (p.Gly70Arg)

Gene: FGFR1 (fibroblast growth factor receptor 1; minus strand). Cytogenetic location: 8p11.23.
Variant type: single nucleotide variant.
Coding change: c.208G>A on transcript NM_023110.3 (MANE Select); coding-DNA position 208, G replaced by A.
Protein change: p.Gly70Arg; replaces glycine 70 with arginine.
Molecular consequence: missense variant. On other transcripts: intron variant (5).
Genome position (GRCh38, 1-based): chr8:38,429,832, C>T on the plus strand (G>A on the coding strand, the complement: FGFR1 is on the minus strand). VCF-style: chr8-38429832-C-T. GRCh37 (hg19) VCF-style: chr8-38287350-C-T.
Other names: c.208G>A, p.Gly70Arg (NM_001174063.2, NM_001174065.2, NM_001354367.2 and 2 more transcripts); c.184G>A, p.Gly62Arg (NM_001174064.2); c.307G>A, p.Gly103Arg (NM_001174067.2); c.92-1397G>A (NM_001354368.2, NM_001354370.2, NM_023106.3 and 2 more transcripts); short protein forms G103R, G62R, G70R.
Identifiers: ClinVar variation 974818 (VCV000974818.2), dbSNP rs140254426, ClinGen allele CA4718853.